The following is an entry in ClinVar:

NM_152383.5(DIS3L2):c.2191A>G (p.Thr731Ala)

Gene: DIS3L2 (DIS3 like 3'-5' exoribonuclease 2; plus strand). Cytogenetic location: 2q37.1.
Variant type: single nucleotide variant.
Coding change: c.2191A>G on transcript NM_152383.5 (MANE Select); coding-DNA position 2191, A replaced by G.
Protein change: p.Thr731Ala; replaces threonine 731 with alanine.
Molecular consequence: missense variant. On other transcripts: non-coding transcript variant (2), intron variant (1).
Genome position (GRCh38, 1-based): chr2:232,334,401, A>G. VCF-style: chr2-232334401-A-G. GRCh37 (hg19) VCF-style: chr2-233199111-A-G.
Other names: c.1582-8944A>G (NM_001257281.2); short protein forms T731A.
Identifiers: ClinVar variation 2749195 (VCV002749195.3), dbSNP rs2469448376, ClinGen allele CA350977675.

ClinVar aggregate classification (germline): Uncertain significance (1 of 4 stars; one submission).

Conditions:
Perlman syndrome (PRLMNS). Identifiers: Orphanet 2849, MedGen C0796113, MONDO:0009965, OMIM 267000.

Submission:

Labcorp Genetics (formerly Invitae), Labcorp
Classification: Uncertain significance for Perlman syndrome. Last evaluated: 2023-08-02. Review status: criteria provided, single submitter. Criteria: Invitae Variant Classification Sherloc (09022015). Collection method: clinical testing. Allele origin: germline.
Comment: Advanced modeling of protein sequence and biophysical properties (such as structural, functional, and spatial information, amino acid conservation, physicochemical variation, residue mobility, and thermodynamic stability) performed at Invitae indicates that this missense variant is not expected to disrupt DIS3L2 protein function. This variant has not been reported in the literature in individuals affected with DIS3L2-related conditions. This variant is not present in population databases (gnomAD no frequency). This sequence change replaces threonine, which is neutral and polar, with alanine, which is neutral and non-polar, at codon 731 of the DIS3L2 protein (p.Thr731Ala). In summary, the available evidence is currently insufficient to determine the role of this variant in disease. Therefore, it has been classified as a Variant of Uncertain Significance.